The following is an entry in ClinVar:

ClinVar aggregate classification (germline): Pathogenic (1 of 4 stars; one submission).

Submission:

Labcorp Genetics (formerly Invitae), Labcorp
Classification: Pathogenic. Last evaluated: 2022-07-26. Review status: criteria provided, single submitter. Criteria: Invitae Variant Classification Sherloc (09022015). Collection method: clinical testing. Allele origin: germline.
Comment: This variant disrupts a region of the ABCA4 protein in which other variant(s) (p.Arg1129Leu) have been determined to be pathogenic (PMID: 19074458, 23755871, 27032803, 29114839). This suggests that this is a clinically significant region of the protein, and that variants that disrupt it are likely to be disease-causing. For these reasons, this variant has been classified as Pathogenic. This variant has not been reported in the literature in individuals affected with ABCA4-related conditions. This variant is a gross deletion of the genomic region encompassing exon(s) 7-48 of the ABCA4 gene. This variant would be expected to be in-frame, preserving the integrity of the reading frame.

Literature cited by the submitters: PubMed 19074458; PubMed 23755871; PubMed 27032803; PubMed 29114839.

NC_000001.10:g.(?_94463397)_(94549017_?)del

Gene: ABCA4 (ATP binding cassette subfamily A member 4; minus strand). Cytogenetic location: 1p22.1.
Variant type: Deletion.
Identifiers: ClinVar variation 1454904 (VCV001454904.5).